The following is an entry in ClinVar:

ClinVar aggregate classification (germline): Uncertain significance (1 of 4 stars; one submission).

Allele frequency attached by ClinVar (database versions not stated): ExAC 0.00001; ESP Exome Variant Server 0.00008.
gnomAD v4.1: 3 of 1,612,504 alleles (0.00019%); highest among the groups gnomAD compares: Non-Finnish European, 0.00017%; no homozygotes.

Submission:

Women's Health and Genetics/Laboratory Corporation of America, LabCorp
Classification: Uncertain significance. Last evaluated: 2023-06-22. Review status: criteria provided, single submitter. Criteria: LabCorp Variant Classification Summary - May 2015. Collection method: clinical testing. Allele origin: germline.
Comment: Variant summary: DMXL2 c.6416A>T (p.Glu2139Val) results in a non-conservative amino acid change in the encoded protein sequence. Four of five in-silico tools predict a damaging effect of the variant on protein function. The variant allele was found at a frequency of 8e-06 in 250854 control chromosomes. The available data on variant occurrences in the general population are insufficient to allow any conclusion about variant significance. To our knowledge, no occurrence of c.6416A>T in individuals affected with DMXL2-Related Disorders and no experimental evidence demonstrating its impact on protein function have been reported. No submitters have cited clinical-significance assessments for this variant to ClinVar after 2014. Based on the evidence outlined above, the variant was classified as uncertain significance.

NM_001378457.1(DMXL2):c.6416A>T (p.Glu2139Val)

Gene: DMXL2 (Dmx like 2; minus strand). Cytogenetic location: 15q21.2.
Variant type: single nucleotide variant.
Coding change: c.6416A>T on transcript NM_001378457.1 (MANE Select); coding-DNA position 6416, A replaced by T.
Protein change: p.Glu2139Val; replaces glutamic acid 2139 with valine.
Molecular consequence: missense variant. On other transcripts: non-coding transcript variant (2).
Genome position (GRCh38, 1-based): chr15:51,480,690, T>A on the plus strand (A>T on the coding strand, the complement: DMXL2 is on the minus strand). VCF-style: chr15-51480690-T-A. GRCh37 (hg19) VCF-style: chr15-51772887-T-A.
Other names: c.6416A>T, p.Glu2139Val (NM_001174116.3, NM_001378458.1, NM_001378459.1 and 4 more transcripts); c.4508A>T, p.Glu1503Val (NM_001174117.3); c.4397A>T, p.Glu1466Val (NM_001378460.1); c.6176A>T, p.Glu2059Val (NM_001378464.1); short protein forms E1466V, E1503V, E2059V, E2139V.
Identifiers: ClinVar variation 2573577 (VCV002573577.1), dbSNP rs146692573, ClinGen allele CA7561639.